The following is an entry in ClinVar:

ClinVar aggregate classification (germline): Pathogenic. Review status: criteria provided, multiple submitters, no conflicts (2 of 4 stars). 3 submissions from 3 submitters: Pathogenic (3). Last evaluated 2025-10-06.

Conditions:
Familial cancer of breast. Also called: BREAST CANCER, FAMILIAL; hereditary breast carcinoma; Hereditary breast cancer. Identifiers: Orphanet 227535, MedGen C0346153, MONDO:0016419, OMIM 114480. Disease mechanism: loss of function.
Hereditary cancer-predisposing syndrome. Also called: Neoplastic Syndromes, Hereditary; Hereditary Cancer Syndrome; Hereditary neoplastic syndrome; Tumor predisposition. Identifiers: Orphanet 140162, MedGen C0027672, MeSH D009386, MONDO:0015356.

Allele frequency attached by ClinVar (database versions not stated): gnomAD exomes below 0.00001; gnomAD 0.00001.
gnomAD v4.1: 2 of 1,611,708 alleles (0.00012%); highest among the groups gnomAD compares: Admixed American, 0.0017%; no homozygotes.

Submissions (3):

Labcorp Genetics (formerly Invitae), Labcorp
Classification: Pathogenic for Familial cancer of breast. Last evaluated: 2025-10-06. Review status: criteria provided, single submitter. Criteria: Invitae Variant Classification Sherloc (09022015). Collection method: clinical testing. Allele origin: germline.
Comment: This sequence change creates a premature translational stop signal (p.Trp462*) in the BARD1 gene. It is expected to result in an absent or disrupted protein product. Loss-of-function variants in BARD1 are known to be pathogenic (PMID: 20077502, 21344236). This variant is present in population databases (no rsID available, gnomAD 0.003%). This variant has not been reported in the literature in individuals affected with BARD1-related conditions. ClinVar contains an entry for this variant (Variation ID: 479137). For these reasons, this variant has been classified as Pathogenic.

Ambry Genetics
Classification: Pathogenic for Hereditary cancer-predisposing syndrome. Last evaluated: 2025-09-16. Review status: criteria provided, single submitter. Criteria: Ambry Variant Classification Scheme 2023. Collection method: clinical testing. Allele origin: germline.
Comment: The p.W462* pathogenic mutation (also known as c.1385G>A), located in coding exon 5 of the BARD1 gene, results from a G to A substitution at nucleotide position 1385. This changes the amino acid from a tryptophan to a stop codon within coding exon 5. This variant is considered to be rare based on population cohorts in the Genome Aggregation Database (gnomAD). This alteration is expected to result in loss of function by premature protein truncation or nonsense-mediated mRNA decay. As such, this alteration is interpreted as a disease-causing mutation.

Myriad Genetics, Inc.
Classification: Pathogenic for Familial cancer of breast. Last evaluated: 2023-05-23. Review status: criteria provided, single submitter. Criteria: Myriad Autosomal Dominant, Autosomal Recessive and X-Linked Classification Criteria (2023). Collection method: clinical testing. Allele origin: unknown.
Comment: This variant is considered pathogenic. This variant creates a termination codon and is predicted to result in premature protein truncation.

Literature cited by the submitters: PubMed 20077502 (cited by Labcorp Genetics (formerly Invitae), Labcorp); PubMed 21344236 (cited by Labcorp Genetics (formerly Invitae), Labcorp).

NM_000465.4(BARD1):c.1385G>A (p.Trp462Ter)

Gene: BARD1 (BRCA1 associated RING domain 1; minus strand). Cytogenetic location: 2q35.
Variant type: single nucleotide variant.
Coding change: c.1385G>A on transcript NM_000465.4 (MANE Select); coding-DNA position 1385, G replaced by A.
Protein change: p.Trp462Ter; replaces tryptophan 462 with a stop codon.
Molecular consequence: nonsense. On other transcripts: non-coding transcript variant (3), intron variant (3).
Genome position (GRCh38, 1-based): chr2:214,769,242, C>T on the plus strand (G>A on the coding strand, the complement: BARD1 is on the minus strand). VCF-style: chr2-214769242-C-T. GRCh37 (hg19) VCF-style: chr2-215633966-C-T.
Other names: c.1328G>A, p.Trp443Ter (NM_001282543.2); c.159-16687G>A (NM_001282548.2); c.216-16687G>A (NM_001282545.2); c.364+23055G>A (NM_001282549.2); short protein forms W462*, W443*.
Identifiers: ClinVar variation 479137 (VCV000479137.14), dbSNP rs1213894295, ClinGen allele CA350450121.